The following is an entry in ClinVar:

NM_001190467.2(PRR36):c.2295G>A (p.Pro765=)

Gene: PRR36 (proline rich 36; minus strand). Cytogenetic location: 19p13.2.
Variant type: single nucleotide variant.
Coding change: c.2295G>A on transcript NM_001190467.2 (MANE Select); coding-DNA position 2295, G replaced by A.
Protein change: p.Pro765=; no amino-acid change (proline 765 retained).
Molecular consequence: synonymous variant.
Genome position (GRCh38, 1-based): chr19:7,870,949, C>T on the plus strand (G>A on the coding strand, the complement: PRR36 is on the minus strand). VCF-style: chr19-7870949-C-T. GRCh37 (hg19) VCF-style: chr19-7935835-C-T.
Identifiers: ClinVar variation 89070 (VCV000089070.26), dbSNP rs398122421, ClinGen allele CA220102.

ClinVar aggregate classification (germline): Likely benign. Review status: criteria provided, single submitter (1 of 4 stars). 2 submissions from 2 submitters: Likely benign (1). 1 of the submissions does not count toward it. Last evaluated 2026-05-01.

Allele frequency attached by ClinVar (database versions not stated): ExAC below 0.00001; gnomAD exomes 0.00006 and 0.00016; gnomAD 0.00066 and 0.00077; 1000 Genomes Project 0.00419.

Submissions (2):

CeGaT Center for Human Genetics Tuebingen
Classification: Likely benign. Last evaluated: 2026-05-01. Review status: criteria provided, single submitter. Criteria: CeGaT Center For Human Genetics Tuebingen Variant Classification Criteria Version 2. Collection method: clinical testing. Allele origin: germline. Affected: yes. Observed: 8 variant alleles.
Comment: PRR36: BP4, BP7

Mitochondrial Research; Murdoch Childrens Research Institute
Classification: Uncertain significance. Review status: no assertion criteria provided. Collection method: not provided. Allele origin: unknown. Not counted in ClinVar's aggregate classification.
Comment: 1 homozygote for variant, 5 homozygotes for reference
ClinVar note: Converted during submission from unknown to Uncertain significance.